The following is an entry in ClinVar:

NM_020247.5(COQ8A):c.1876C>T (p.Arg626Cys)

Gene: COQ8A (coenzyme Q8A; plus strand). Cytogenetic location: 1q42.13.
Variant type: single nucleotide variant.
Coding change: c.1876C>T on transcript NM_020247.5 (MANE Select); coding-DNA position 1876, C replaced by T.
Protein change: p.Arg626Cys; replaces arginine 626 with cysteine.
Molecular consequence: missense variant.
Genome position (GRCh38, 1-based): chr1:226,986,669, C>T. VCF-style: chr1-226986669-C-T. GRCh37 (hg19) VCF-style: chr1-227174370-C-T.
Other names: short protein forms R626C.
Identifiers: ClinVar variation 377447 (VCV000377447.56), dbSNP rs141725964, ClinGen allele CA1425696.

ClinVar aggregate classification (germline): Benign/Likely benign. Review status: criteria provided, multiple submitters, no conflicts (2 of 4 stars). 6 submissions from 6 submitters: Benign (2); Likely benign (3). 1 of the submissions does not count toward it. Last evaluated 2026-01-23.

Conditions:
COQ8A-related disorder. Also called: COQ8A-related condition.

Allele frequency attached by ClinVar (database versions not stated): gnomAD exomes 0.00051 and 0.00089; ESP Exome Variant Server 0.00069; TOPMed 0.00081; ExAC 0.00091; 1000 Genomes Project 0.00220; 1000 Genomes Project 30x 0.00234.
gnomAD v4.1: 909 of 1,614,118 alleles (0.056%); highest among the groups gnomAD compares: South Asian, 0.42%; 8 homozygotes.

Submissions (6):

Labcorp Genetics (formerly Invitae), Labcorp
Classification: Likely benign. Last evaluated: 2026-01-23. Review status: criteria provided, single submitter. Criteria: Invitae Variant Classification Sherloc (09022015). Collection method: clinical testing. Allele origin: germline.

Blueprint Genetics
Classification: Likely benign. Last evaluated: 2024-10-24. Review status: criteria provided, single submitter. Criteria: ACMG Guidelines, 2015. Collection method: clinical testing. Allele origin: germline.

CeGaT Center for Human Genetics Tuebingen
Classification: Likely benign. Last evaluated: 2022-09-01. Review status: criteria provided, single submitter. Criteria: CeGaT Center For Human Genetics Tuebingen Variant Classification Criteria Version 2. Collection method: clinical testing. Allele origin: germline. Affected: yes. Observed: 4 variant alleles.
Comment: COQ8A: BP4, BS2

Athena Diagnostics
Classification: Benign. Last evaluated: 2020-03-31. Review status: criteria provided, single submitter. Criteria: Athena Diagnostics Criteria. Collection method: clinical testing. Allele origin: unknown.

GeneDx
Classification: Benign. Last evaluated: 2015-05-29. Review status: criteria provided, single submitter. Criteria: GeneDx Variant Classification (06012015). Collection method: clinical testing. Allele origin: germline. Affected: yes.
Comment: This variant is considered likely benign or benign based on one or more of the following criteria: it is a conservative change, it occurs at a poorly conserved position in the protein, it is predicted to be benign by multiple in silico algorithms, and/or has population frequency not consistent with disease.

PreventionGenetics, part of Exact Sciences
Classification: Likely benign for COQ8A-related condition. Last evaluated: 2019-10-11. Review status: no assertion criteria provided. Collection method: clinical testing. Allele origin: germline. Not counted in ClinVar's aggregate classification.
Comment: This variant is classified as likely benign based on ACMG/AMP sequence variant interpretation guidelines (Richards et al. 2015 PMID: 25741868, with internal and published modifications).